The following is an entry in ClinVar:

ClinVar aggregate classification (germline): Uncertain significance (1 of 4 stars; one submission).

Allele frequency attached by ClinVar (database versions not stated): gnomAD 0.00001; TOPMed 0.00003.
gnomAD v4.1: 17 of 1,433,078 alleles (0.0012%); highest among the groups gnomAD compares: Non-Finnish European, 0.0011%; no homozygotes.

Submission:

Women's Health and Genetics/Laboratory Corporation of America, LabCorp
Classification: Uncertain significance. Last evaluated: 2023-10-02. Review status: criteria provided, single submitter. Criteria: LabCorp Variant Classification Summary - May 2015. Collection method: clinical testing. Allele origin: germline.
Comment: Variant summary: YAP1 c.62C>T (p.Ser21Leu) results in a non-conservative amino acid change in the encoded protein sequence. Four of five in-silico tools predict a benign effect of the variant on protein function. The variant allele was found at a frequency of 1.7e-05 in 60024 control chromosomes (gnomAD). The available data on variant occurrences in the general population are insufficient to allow any conclusion about variant significance. To our knowledge, no occurrence of c.62C>T in individuals affected with Uveal Coloboma-Cleft Lip And Palate-Intellectual Disability and no experimental evidence demonstrating its impact on protein function have been reported. No submitters have cited clinical-significance assessments for this variant to ClinVar after 2014. Based on the evidence outlined above, the variant was classified as uncertain significance.

NM_001130145.3(YAP1):c.62C>T (p.Ser21Leu)

Gene: YAP1 (Yes1 associated transcriptional regulator; plus strand). Cytogenetic location: 11q22.1.
Variant type: single nucleotide variant.
Coding change: c.62C>T on transcript NM_001130145.3 (MANE Select); coding-DNA position 62, C replaced by T.
Protein change: p.Ser21Leu; replaces serine 21 with leucine.
Molecular consequence: missense variant.
Genome position (GRCh38, 1-based): chr11:102,110,910, C>T. VCF-style: chr11-102110910-C-T. GRCh37 (hg19) VCF-style: chr11-101981641-C-T.
Other names: c.62C>T, p.Ser21Leu (NM_001195044.2, NM_001282097.2, NM_001282098.2 and 4 more transcripts); short protein forms S21L.
Identifiers: ClinVar variation 2637737 (VCV002637737.1), dbSNP rs990765765, ClinGen allele CA228282923.
Genomic context (GRCh38, chr11:102,110,910, plus strand): 5'-TGGATCCCGGGCAGCAGCCGCCGCCTCAACCGGCCCCCCAGGGCCAAGGGCAGCCGCCTT[C>T]GCAGCCCCCGCAGGGGCAGGGCCCGCCGTCCGGACCCGGGCAACCGGCACCCGCGGCGAC-3'
Protein context (NP_001123617.1, residues 11-31): PAPQGQGQPP[Ser21Leu]QPPQGQGPPS